The following is an entry in ClinVar:

NM_001163809.2(WDR81):c.2442C>T (p.Val814=)

Gene: WDR81 (WD repeat domain 81; plus strand). Cytogenetic location: 17p13.3.
Variant type: single nucleotide variant.
Coding change: c.2442C>T on transcript NM_001163809.2 (MANE Select); coding-DNA position 2442, C replaced by T.
Protein change: p.Val814=; no amino-acid change (valine 814 retained).
Molecular consequence: synonymous variant. On other transcripts: intron variant (3).
Genome position (GRCh38, 1-based): chr17:1,727,401, C>T. VCF-style: chr17-1727401-C-T. GRCh37 (hg19) VCF-style: chr17-1630695-C-T.
Other names: c.-123-589C>T (NM_152348.4); c.59-2979C>T (NM_001163673.2); c.-15+2615C>T (NM_001163811.2).
Identifiers: ClinVar variation 752745 (VCV000752745.5), dbSNP rs1008771772, ClinGen allele CA286873400.

ClinVar aggregate classification (germline): Likely benign. Review status: criteria provided, single submitter (1 of 4 stars). 2 submissions from 2 submitters: Likely benign (1). 1 of the submissions does not count toward it. Last evaluated 2018-07-16.

Conditions:
WDR81-related disorder. Also called: WDR81-related condition.

Allele frequency attached by ClinVar (database versions not stated): gnomAD exomes below 0.00001; TOPMed 0.00002; gnomAD 0.00003.
gnomAD v4.1: 7 of 1,550,204 alleles (0.00045%); highest among the groups gnomAD compares: African/African-American, 0.0096%; no homozygotes.

Submissions (2):

Labcorp Genetics (formerly Invitae), Labcorp
Classification: Likely benign. Last evaluated: 2018-07-16. Review status: criteria provided, single submitter. Criteria: Invitae Variant Classification Sherloc (09022015). Collection method: clinical testing. Allele origin: germline.

PreventionGenetics, part of Exact Sciences
Classification: Likely benign for WDR81-related condition. Last evaluated: 2019-12-27. Review status: no assertion criteria provided. Collection method: clinical testing. Allele origin: germline. Not counted in ClinVar's aggregate classification.
Comment: This variant is classified as likely benign based on ACMG/AMP sequence variant interpretation guidelines (Richards et al. 2015 PMID: 25741868, with internal and published modifications).